The following is an entry in ClinVar:

NC_000009.11:g.(?_271627)_(382685_?)dup

Genes: DOCK8 (dedicator of cytokinesis 8; plus strand), LOC126860552 (BRD4-independent group 4 enhancer GRCh37_chr9:285795-286994; plus strand), LOC130001439 (ATAC-STARR-seq lymphoblastoid active region 28115; plus strand), LOC130001440 (ATAC-STARR-seq lymphoblastoid active region 28116; plus strand). Cytogenetic location: 9p24.3.
Variant type: Duplication.
Identifiers: ClinVar variation 584159 (VCV000584159.1).

ClinVar aggregate classification (germline): Likely pathogenic (1 of 4 stars; one submission).

Conditions:
Combined immunodeficiency due to DOCK8 deficiency (HIES2). Also called: DOCK8 Deficiency; Hyper-IgE recurrent infection syndrome, autosomal recessive; HIES autosomal recessive; HYPER-IgE RECURRENT INFECTION SYNDROME 2, AUTOSOMAL RECESSIVE; HYPER-IgE SYNDROME 2, AUTOSOMAL RECESSIVE, WITH RECURRENT INFECTIONS. Identifiers: Orphanet 217390, MedGen C4722305, MONDO:0009478, OMIM 243700.

Submission:

Labcorp Genetics (formerly Invitae), Labcorp
Classification: Likely pathogenic for Hyperimmunoglobulin E recurrent infection syndrome, autosomal recessive. Last evaluated: 2017-08-17. Review status: criteria provided, single submitter. Criteria: Invitae Variant Classification Sherloc (09022015). Collection method: clinical testing. Allele origin: germline.
Comment: This variant is a gross duplication of the genomic region encompassing exons 2-22 of the DOCK8 gene. While the exact position of the duplicated exons cannot be determined from this data, the duplicated copy of this region is likely in tandem and may result in an absent or disrupted protein product. This duplication has not been reported in the literature in individuals with DOCK8-related disease. Sub-genic duplications are generally in tandem (PMID: 25640679), and result in an absent or disrupted protein. Loss-of-function variants in DOCK8 are known to be pathogenic (PMID: 14722525, 19776401). In summary, the currently available evidence indicates that the variant is pathogenic, but additional data are needed to prove that conclusively. Therefore, this variant has been classified as Likely Pathogenic.